The following is an entry in ClinVar:

NM_004082.5(DCTN1):c.260T>C (p.Ile87Thr)

Gene: DCTN1 (dynactin subunit 1; minus strand). Cytogenetic location: 2p13.1.
Variant type: single nucleotide variant.
Coding change: c.260T>C on transcript NM_004082.5 (MANE Select); coding-DNA position 260, T replaced by C.
Protein change: p.Ile87Thr; replaces isoleucine 87 with threonine.
Molecular consequence: missense variant. On other transcripts: non-coding transcript variant (1).
Genome position (GRCh38, 1-based): chr2:74,378,019, A>G on the plus strand (T>C on the coding strand, the complement: DCTN1 is on the minus strand). VCF-style: chr2-74378019-A-G. GRCh37 (hg19) VCF-style: chr2-74605146-A-G.
Other names: c.260T>C, p.Ile87Thr (NM_001135040.3, NM_001190837.2); c.209T>C, p.Ile70Thr (NM_001190836.2, NM_001378991.1, NM_001378992.1); short protein forms I87T, I70T.
Identifiers: ClinVar variation 957294 (VCV000957294.10), dbSNP rs72466488, ClinGen allele CA1722587.
Genomic context (GRCh38, chr2:74,378,019, plus strand): 5'-ATGTGCACACATGCACAGACACAAAAGAAGGGCGTGAATACCTGGGACTGGCGCACAAAG[A>G]TGCCATGCCCTTCATCACAAGTGAAGTACTTCCTGCCTTGAACAGTTCCATCATTTTTGC-3'
Protein context (NP_004073.2, residues 77-97): KYFTCDEGHG[Ile87Thr]FVRQSQIQVF

ClinVar aggregate classification (germline): Uncertain significance (1 of 4 stars; one submission).

Conditions:
Amyotrophic lateral sclerosis type 1 (ALS1). Also called: AMYOTROPHIC LATERAL SCLEROSIS 1, FAMILIAL. Identifiers: Orphanet 803, MedGen C1862939, MONDO:0007103, OMIM 105400.
Perry syndrome. Also called: PARKINSONISM WITH ALVEOLAR HYPOVENTILATION AND MENTAL DEPRESSION. Identifiers: Orphanet 178509, MedGen C1868594, MONDO:0008201, OMIM 168605.
Neuronopathy, distal hereditary motor, type 7B. Also called: NEURONOPATHY, DISTAL HEREDITARY MOTOR, AUTOSOMAL DOMINANT 14; NEURONOPATHY, DISTAL HEREDITARY MOTOR, HARDING TYPE VIIB; NEUROPATHY, DISTAL HEREDITARY MOTOR, HARDING TYPE VIIB; NEUROPATHY, DISTAL HEREDITARY MOTOR, WITH VOCAL CORD PARALYSIS, HARDING TYPE VIIB; HMN VIIB; LOWER MOTOR NEURON DISEASE, DYNACTIN TYPE. Identifiers: Orphanet 139589, MedGen C1843315, MONDO:0011879, OMIM 607641.

Allele frequency attached by ClinVar (database versions not stated): TOPMed below 0.00001; ExAC 0.00001; gnomAD exomes 0.00001 and 0.00003.
gnomAD v4.1: 48 of 1,614,282 alleles (0.003%); highest among the groups gnomAD compares: Non-Finnish European, 0.0041%; no homozygotes.

Submission:

Labcorp Genetics (formerly Invitae), Labcorp
Classification: Uncertain significance for Amyotrophic lateral sclerosis type 1; Neuronopathy, distal hereditary motor, type 7B; Perry syndrome. Last evaluated: 2020-06-28. Review status: criteria provided, single submitter. Criteria: Invitae Variant Classification Sherloc (09022015). Collection method: clinical testing. Allele origin: germline.
Comment: In summary, the available evidence is currently insufficient to determine the role of this variant in disease. Therefore, it has been classified as a Variant of Uncertain Significance. Algorithms developed to predict the effect of missense changes on protein structure and function (SIFT, PolyPhen-2, Align-GVGD) all suggest that this variant is likely to be disruptive, but these predictions have not been confirmed by published functional studies and their clinical significance is uncertain. This variant has been observed in an individual affected with Parkinson's disease, as well as in several healthy control individuals (PMID: 19506225, 27132499). This variant is present in population databases (rs72466488, ExAC 0.002%). This sequence change replaces isoleucine with threonine at codon 87 of the DCTN1 protein (p.Ile87Thr). The isoleucine residue is highly conserved and there is a moderate physicochemical difference between isoleucine and threonine.

Literature cited by the submitters: PubMed 19506225; PubMed 27132499.